The following is an entry in ClinVar:

NM_001142800.2(EYS):c.1469G>T (p.Gly490Val)

Gene: EYS (EGF-like photoreceptor maintenance factor; minus strand). Cytogenetic location: 6q12.
Variant type: single nucleotide variant.
Coding change: c.1469G>T on transcript NM_001142800.2 (MANE Select); coding-DNA position 1469, G replaced by T.
Protein change: p.Gly490Val; replaces glycine 490 with valine.
Molecular consequence: missense variant.
Genome position (GRCh38, 1-based): chr6:65,344,168, C>A on the plus strand (G>T on the coding strand, the complement: EYS is on the minus strand). VCF-style: chr6-65344168-C-A. GRCh37 (hg19) VCF-style: chr6-66054061-C-A.
Other names: c.1469G>T, p.Gly490Val (NM_001142801.2, NM_001292009.2, NM_198283.2); short protein forms G490V.
Identifiers: ClinVar variation 4736639 (VCV004736639.1).
Genomic context (GRCh38, chr6:65,344,168, plus strand): 5'-TCTTCAGTGCAGTTTGCAGCCAGAAAGAAATAGGCATCAATAACCCCTTGGCACTTTTCG[C>A]CTTCAGATCCTTTAAAAAAAAAGAGATAAAAAATTAAATAAACTCTTACAAACTTGAATT-3'
Protein context (NP_001136272.1, residues 480-500): VWQLGFAGSE[Gly490Val]EKCQGVIDAY

ClinVar aggregate classification (germline): Uncertain significance (1 of 4 stars; one submission).

gnomAD v4.1: 3 of 1,607,912 alleles (0.00019%); highest among the groups gnomAD compares: Non-Finnish European, 0.00026%; no homozygotes.

Submission:

Labcorp Genetics (formerly Invitae), Labcorp
Classification: Uncertain significance. Last evaluated: 2025-08-15. Review status: criteria provided, single submitter. Criteria: Invitae Variant Classification Sherloc (09022015). Collection method: clinical testing. Allele origin: germline.
Comment: This sequence change replaces glycine, which is neutral and non-polar, with valine, which is neutral and non-polar, at codon 490 of the EYS protein (p.Gly490Val). This variant is present in population databases (no rsID available, gnomAD 0.0009%). This variant has not been reported in the literature in individuals affected with EYS-related conditions. Invitae Evidence Modeling of protein sequence and biophysical properties (such as structural, functional, and spatial information, amino acid conservation, physicochemical variation, residue mobility, and thermodynamic stability) indicates that this missense variant is not expected to disrupt EYS protein function with a negative predictive value of 80%. In summary, the available evidence is currently insufficient to determine the role of this variant in disease. Therefore, it has been classified as a Variant of Uncertain Significance.